The following is an entry in ClinVar:

ClinVar aggregate classification (germline): Uncertain significance (1 of 4 stars; one submission).

Conditions:
Retinal dystrophy. Also called: Inherited retinal dystrophy. Identifiers: Orphanet 71862, MedGen C0854723, MeSH D058499, MONDO:0019118, HP:0000556.

gnomAD v4.1: 1 of 1,608,208 alleles (0.000062%); highest among the groups gnomAD compares: East Asian, 0.0022%; no homozygotes.

Submission:

Ocular Genomics Institute, Massachusetts Eye and Ear
Classification: Uncertain significance for Retinal dystrophy. Last evaluated: 2025-06-06. Review status: criteria provided, single submitter. Criteria: ACMG Guidelines, 2015. Collection method: research. Allele origin: germline. Affected: yes. Observed: 2 variant alleles.
Comment: The NM_144643.4 c.1706G>A, p.(Ser569Asn) is a missense variant in SCLT1. This variant was found for the first time in two siblings with non-syndromic retinal degeneration. This variant is rare in GnomADv4 (PM2), it cosegregates with disease in multiple affected family members in a gene known to cause disease (PP1).

Literature cited by the submitters: PubMed 40470183.

NM_144643.4(SCLT1):c.1706G>A (p.Ser569Asn)

Gene: SCLT1 (sodium channel and clathrin linker 1; minus strand). Cytogenetic location: 4q28.2.
Variant type: single nucleotide variant.
Coding change: c.1706G>A on transcript NM_144643.4 (MANE Select); coding-DNA position 1706, G replaced by A.
Protein change: p.Ser569Asn; replaces serine 569 with asparagine.
Molecular consequence: missense variant. On other transcripts: 3 prime UTR variant (1).
Genome position (GRCh38, 1-based): chr4:128,936,778, C>T on the plus strand (G>A on the coding strand, the complement: SCLT1 is on the minus strand). VCF-style: chr4-128936778-C-T. GRCh37 (hg19) VCF-style: chr4-129857933-C-T.
Other names: c.*43G>A (NM_001410807.1); short protein forms S569N.
Identifiers: ClinVar variation 4526652 (VCV004526652.1).